The following is an entry in ClinVar:

NM_181332.3(NLGN4X):c.2043C>T (p.Val681=)

Gene: NLGN4X (neuroligin 4 X-linked; minus strand). Cytogenetic location: Xp22.32.
Variant type: single nucleotide variant.
Coding change: c.2043C>T on transcript NM_181332.3 (MANE Select); coding-DNA position 2043, C replaced by T.
Protein change: p.Val681=; no amino-acid change (valine 681 retained).
Molecular consequence: synonymous variant.
Genome position (GRCh38, 1-based): chrX:5,893,225, G>A on the plus strand (C>T on the coding strand, the complement: NLGN4X is on the minus strand). VCF-style: chrX-5893225-G-A. GRCh37 (hg19) VCF-style: chrX-5811266-G-A.
Other names: c.2043C>T, p.Val681= (NM_001282145.2, NM_001282146.2, NM_020742.4).
Identifiers: ClinVar variation 3032474 (VCV003032474.2), dbSNP rs770117821, ClinGen allele CA10340941.
Genomic context (GRCh38, chrX:5,893,225, plus strand): 5'-GTCCTTTTTGTAGTACAGCGCCGCAAAAGCTAAGATGTTGAGGAAGAGGAGCGACGCCCC[G>A]ACGGCAATGGTGACACTTAATTCGGTGGAATAATCTCGTTTGGTTTCAATGAGGACAGTT-3'
Protein context (NP_851849.1, residues 671-691): YSTELSVTIA[Val681=]GASLLFLNIL

ClinVar aggregate classification (germline): Likely benign (0 of 4 stars; one submission).

Conditions:
NLGN4X-related disorder. Also called: NLGN4X-related condition.

Allele frequency attached by ClinVar (database versions not stated): gnomAD exomes 0.00001; gnomAD 0.00003; ExAC 0.00006; TOPMed 0.00006.
gnomAD v4.1: 14 of 1,209,131 alleles (0.0012%); highest among the groups gnomAD compares: East Asian, 0.027%; no homozygotes.

Submission:

PreventionGenetics, part of Exact Sciences
Classification: Likely benign for NLGN4X-related condition. Last evaluated: 2021-01-15. Review status: no assertion criteria provided. Collection method: clinical testing. Allele origin: germline.
Comment: This variant is classified as likely benign based on ACMG/AMP sequence variant interpretation guidelines (Richards et al. 2015 PMID: 25741868, with internal and published modifications).